The following is an entry in ClinVar:

NM_000742.4(CHRNA2):c.215G>C (p.Arg72Pro)

Gene: CHRNA2 (cholinergic receptor nicotinic alpha 2 subunit; minus strand). Cytogenetic location: 8p21.2.
Variant type: single nucleotide variant.
Coding change: c.215G>C on transcript NM_000742.4 (MANE Select); coding-DNA position 215, G replaced by C.
Protein change: p.Arg72Pro; replaces arginine 72 with proline.
Molecular consequence: missense variant. On other transcripts: 5 prime UTR variant (4).
Genome position (GRCh38, 1-based): chr8:27,469,840, C>G on the plus strand (G>C on the coding strand, the complement: CHRNA2 is on the minus strand). VCF-style: chr8-27469840-C-G. GRCh37 (hg19) VCF-style: chr8-27327357-C-G.
Other names: p.R72P:CGC>CCC; c.215G>C, p.Arg72Pro (NM_001282455.2); c.-213G>C (NM_001347705.2); c.-258G>C (NM_001347706.2); c.-199G>C (NM_001347707.2); c.-247G>C (NM_001347708.2); short protein forms R72P.
Identifiers: ClinVar variation 204993 (VCV000204993.39), dbSNP rs201922955, ClinGen allele CA313506.

ClinVar aggregate classification (germline): Conflicting classifications of pathogenicity. Review status: criteria provided, conflicting classifications (1 of 4 stars). 5 submissions from 5 submitters: Uncertain significance (1); Likely benign (4). Last evaluated 2025-10-29.

Conditions:
Familial sleep-related hypermotor epilepsy. Also called: Autosomal Dominant Sleep-Related Hypermotor (Hyperkinetic) Epilepsy. Identifiers: Orphanet 98784, MedGen C3696898, MONDO:0000030.
Inborn genetic diseases. Identifiers: MedGen C0950123, MeSH D030342.
Autosomal dominant nocturnal frontal lobe epilepsy 4. Also called: CHRNA2-Related Nocturnal Frontal Lobe Epilepsy, Autosomal Dominant; EPILEPSY, FAMILIAL, WITH NOCTURNAL WANDERING AND ICTAL FEAR. Identifiers: Orphanet 98784, MedGen C1835905, MONDO:0012474, OMIM 610353.

Allele frequency attached by ClinVar (database versions not stated): TOPMed 0.00005; ESP Exome Variant Server 0.00008.
gnomAD v4.1: 110 of 1,613,994 alleles (0.0068%); highest among the groups gnomAD compares: Non-Finnish European, 0.0069%; no homozygotes.

Submissions (5):

Labcorp Genetics (formerly Invitae), Labcorp
Classification: Likely benign. Last evaluated: 2025-10-29. Review status: criteria provided, single submitter. Criteria: Invitae Variant Classification Sherloc (09022015). Collection method: clinical testing. Allele origin: germline.

CeGaT Center for Human Genetics Tuebingen
Classification: Likely benign. Last evaluated: 2024-06-01. Review status: criteria provided, single submitter. Criteria: CeGaT Center For Human Genetics Tuebingen Variant Classification Criteria Version 2. Collection method: clinical testing. Allele origin: germline. Affected: yes. Observed: 2 variant alleles.
Comment: CHRNA2: BP4

GeneDx
Classification: Likely benign. Last evaluated: 2020-08-04. Review status: criteria provided, single submitter. Criteria: GeneDx Variant Classification Process June 2021. Collection method: clinical testing. Allele origin: germline. Affected: yes.
Comment: In silico analysis supports that this missense variant has a deleterious effect on protein structure/function; Has not been previously published as pathogenic or benign to our knowledge

Ambry Genetics
Classification: Likely benign for Inborn genetic diseases. Last evaluated: 2019-04-04. Review status: criteria provided, single submitter. Criteria: Ambry Variant Classification Scheme 2023. Collection method: clinical testing. Allele origin: germline.

Centre for Mendelian Genomics, University Medical Centre Ljubljana
Classification: Uncertain significance for Autosomal dominant nocturnal frontal lobe epilepsy 4. Last evaluated: 2016-01-01. Review status: criteria provided, single submitter. Criteria: ACMG Guidelines, 2015. Collection method: clinical testing. Allele origin: unknown. Affected: yes.
Comment: This variant was classified as: Uncertain significance. The following ACMG criteria were applied in classifying this variant: PP3,BS1.